The following is an entry in ClinVar:

ClinVar aggregate classification (germline): Uncertain significance. Review status: criteria provided, multiple submitters, no conflicts (2 of 4 stars). 3 submissions from 3 submitters: Uncertain significance (3). Last evaluated 2026-02-28.

Conditions:
ABCC2-related disorder. Also called: ABCC2-related condition.
Inborn genetic diseases. Identifiers: MedGen C0950123, MeSH D030342.

Allele frequency attached by ClinVar (database versions not stated): gnomAD exomes 0.00004; TOPMed 0.00004; ExAC 0.00005; gnomAD 0.00006.
gnomAD v4.1: 75 of 1,613,970 alleles (0.0046%); highest among the groups gnomAD compares: Admixed American, 0.01%; no homozygotes.

Submissions (3):

PreventionGenetics, part of Exact Sciences
Classification: Uncertain significance for ABCC2-related condition. Last evaluated: 2026-02-28. Review status: criteria provided, single submitter. Criteria: ACMG Guidelines, 2015. Collection method: clinical testing. Allele origin: germline.
Comment: The ABCC2 c.1178G>A variant is predicted to result in the amino acid substitution p.Arg393Gln. To our knowledge, this variant has not been reported in the literature. This variant is reported in 0.0070% of alleles in individuals of European (Non-Finnish) descent in gnomAD. At this time, the clinical significance of this variant is uncertain due to the absence of conclusive functional and genetic evidence.

Ambry Genetics
Classification: Uncertain significance for Inborn genetic diseases. Last evaluated: 2022-01-27. Review status: criteria provided, single submitter. Criteria: Ambry Variant Classification Scheme 2023. Collection method: clinical testing. Allele origin: germline.

Eurofins Ntd Llc (ga)
Classification: Uncertain significance. Last evaluated: 2018-08-16. Review status: criteria provided, single submitter. Criteria: EGL ClinVar v180209 classification definitions. Collection method: clinical testing. Allele origin: germline. Observed: 1 variant allele, 1 heterozygote.

NM_000392.5(ABCC2):c.1178G>A (p.Arg393Gln)

Gene: ABCC2 (ATP binding cassette subfamily C member 2; plus strand). Cytogenetic location: 10q24.2.
Variant type: single nucleotide variant.
Coding change: c.1178G>A on transcript NM_000392.5 (MANE Select); coding-DNA position 1178, G replaced by A.
Protein change: p.Arg393Gln; replaces arginine 393 with glutamine.
Molecular consequence: missense variant.
Genome position (GRCh38, 1-based): chr10:99,800,532, G>A. VCF-style: chr10-99800532-G-A. GRCh37 (hg19) VCF-style: chr10-101560289-G-A.
Other names: c.1178G>A, p.Arg393Gln (LRG_1208t1); c.1178G>A (NM_000392.3, NM_000392.4); short protein forms R393Q.
Identifiers: ClinVar variation 598412 (VCV000598412.8), dbSNP rs763509429, ClinGen allele CA5643100.
Genomic context (GRCh38, chr10:99,800,532, plus strand): 5'-TTCAGTCTTTCTGCCTTCAGTGTTATTTCCAACTGTGCTTCAAGCTGGGTGTAAAAGTAC[G>A]GACAGCTATCATGGCTTCTGTATATAAGAAGGTAAGCAGAATACGGCAGGTATCACCAAA-3'
Protein context (NP_000383.2, residues 383-403): QLCFKLGVKV[Arg393Gln]TAIMASVYKK